The following is an entry in ClinVar:

ClinVar aggregate classification (germline): Benign/Likely benign. Review status: criteria provided, multiple submitters, no conflicts (2 of 4 stars). 8 submissions from 8 submitters: Benign (2); Likely benign (6). Last evaluated 2026-01-18.

Conditions:
Hereditary nonpolyposis colorectal neoplasms. Identifiers: MedGen C0009405, MeSH D003123.
Lynch syndrome 5 (LYNCH5). Also called: Colorectal cancer, hereditary nonpolyposis, type 5; Hereditary non-polyposis colorectal cancer, type 5. Identifiers: Orphanet 144, MedGen C1833477, MONDO:0013710, OMIM 614350. Disease mechanism: loss of function.
Hereditary cancer-predisposing syndrome. Also called: Tumor predisposition; Neoplastic Syndromes, Hereditary; Hereditary neoplastic syndrome; Hereditary Cancer Syndrome. Identifiers: Orphanet 140162, MedGen C0027672, MeSH D009386, MONDO:0015356.

Allele frequency attached by ClinVar (database versions not stated): ExAC 0.00001; gnomAD exomes 0.00001 and 0.00002; gnomAD 0.00003; TOPMed 0.00010.
gnomAD v4.1: 10 of 1,614,060 alleles (0.00062%); highest among the groups gnomAD compares: Admixed American, 0.015%; no homozygotes.

Submissions (8):

Labcorp Genetics (formerly Invitae), Labcorp
Classification: Likely benign for Hereditary nonpolyposis colorectal neoplasms. Last evaluated: 2026-01-18. Review status: criteria provided, single submitter. Criteria: Invitae Variant Classification Sherloc (09022015). Collection method: clinical testing. Allele origin: germline.

Quest Diagnostics Nichols Institute San Juan Capistrano
Classification: Likely benign. Last evaluated: 2025-09-07. Review status: criteria provided, single submitter. Criteria: Quest Diagnostics criteria. Collection method: clinical testing. Allele origin: unknown.

Myriad Genetics, Inc.
Classification: Benign for Lynch syndrome 5. Last evaluated: 2024-12-27. Review status: criteria provided, single submitter. Criteria: Myriad Autosomal Dominant, Autosomal Recessive and X-Linked Classification Criteria (2023). Collection method: clinical testing. Allele origin: unknown.
Comment: This variant is considered benign. This variant is a silent/synonymous amino acid change and it is not expected to impact splicing.

Women's Health and Genetics/Laboratory Corporation of America, LabCorp
Classification: Likely benign. Last evaluated: 2022-12-02. Review status: criteria provided, single submitter. Criteria: LabCorp Variant Classification Summary - May 2015. Collection method: clinical testing. Allele origin: germline.

Sema4
Classification: Likely benign for Hereditary cancer-predisposing syndrome. Last evaluated: 2021-04-05. Review status: criteria provided, single submitter. Criteria: Sema4 Curation Guidelines. Collection method: curation. Allele origin: germline.

Color Diagnostics, LLC DBA Color Health
Classification: Likely benign for Hereditary cancer-predisposing syndrome. Last evaluated: 2017-10-02. Review status: criteria provided, single submitter. Criteria: ACMG Guidelines, 2015. Collection method: clinical testing. Allele origin: germline.

Ambry Genetics
Classification: Likely benign for Hereditary cancer-predisposing syndrome. Last evaluated: 2015-08-18. Review status: criteria provided, single submitter. Criteria: Ambry Variant Classification Scheme 2023. Collection method: clinical testing. Allele origin: germline.

GeneDx
Classification: Benign. Last evaluated: 2015-03-03. Review status: criteria provided, single submitter. Criteria: GeneDx Variant Classification Process June 2021. Collection method: clinical testing. Allele origin: germline. Affected: yes.

NM_000179.3(MSH6):c.1785A>G (p.Leu595=)

Gene: MSH6 (mutS homolog 6; plus strand). Cytogenetic location: 2p16.3.
Variant type: single nucleotide variant.
Coding change: c.1785A>G on transcript NM_000179.3 (MANE Select); coding-DNA position 1785, A replaced by G.
Protein change: p.Leu595=; no amino-acid change (leucine 595 retained).
Molecular consequence: synonymous variant.
Genome position (GRCh38, 1-based): chr2:47,799,768, A>G. VCF-style: chr2-47799768-A-G. GRCh37 (hg19) VCF-style: chr2-48026907-A-G.
Other names: c.1395A>G, p.Leu465= (NM_001281492.2); c.879A>G, p.Leu293= (NM_001281493.2, NM_001281494.2).
Identifiers: ClinVar variation 416177 (VCV000416177.25), dbSNP rs767325893, ClinGen allele CA068143.